The following is an entry in ClinVar:

ClinVar aggregate classification (germline): Uncertain significance (1 of 4 stars; one submission).

gnomAD v4.1: 3 of 1,610,604 alleles (0.00019%); highest among the groups gnomAD compares: Non-Finnish European, 0.00025%; no homozygotes.

Submission:

GeneDx
Classification: Uncertain significance. Last evaluated: 2024-09-16. Review status: criteria provided, single submitter. Criteria: GeneDx Variant Classification Process June 2021. Collection method: clinical testing. Allele origin: germline. Affected: yes.
Comment: Has not been previously published as pathogenic or benign to our knowledge; Not observed at significant frequency in large population cohorts (gnomAD); In silico analysis indicates that this missense variant does not alter protein structure/function

NM_001853.4(COL9A3):c.985G>C (p.Glu329Gln)

Gene: COL9A3 (collagen type IX alpha 3 chain; plus strand). Cytogenetic location: 20q13.33.
Variant type: single nucleotide variant.
Coding change: c.985G>C on transcript NM_001853.4 (MANE Select); coding-DNA position 985, G replaced by C.
Protein change: p.Glu329Gln; replaces glutamic acid 329 with glutamine.
Molecular consequence: missense variant.
Genome position (GRCh38, 1-based): chr20:62,828,953, G>C. VCF-style: chr20-62828953-G-C. GRCh37 (hg19) VCF-style: chr20-61460305-G-C.
Other names: short protein forms E329Q.
Identifiers: ClinVar variation 1308697 (VCV001308697.3), dbSNP rs2147214451, ClinGen allele CA409593191.